The following is an entry in ClinVar:

ClinVar aggregate classification (germline): Uncertain significance (1 of 4 stars; one submission).

Conditions:
Leukocyte adhesion deficiency type II. Also called: Congenital disorder of glycosylation type 2C; CDG 2C; Leukocyte adhesion deficiency type 2; Rambam Hasharon syndrome; CONGENITAL DISORDER OF GLYCOSYLATION, TYPE IIc; CDG IIc. Identifiers: Orphanet 2968, Orphanet 99843, MedGen C0398739, MONDO:0009953, OMIM 266265.

Allele frequency attached by ClinVar (database versions not stated): gnomAD 0.00001; gnomAD exomes 0.00001; TOPMed 0.00001.

Submission:

Neuberg Centre For Genomic Medicine, NCGM
Classification: Uncertain significance for Leukocyte adhesion deficiency type II. Review status: criteria provided, single submitter. Criteria: ACMG Guidelines, 2015. Collection method: clinical testing. Allele origin: germline. Affected: yes.
Comment: The missense variant p.G281S in SLC35C1 (NM_018389.5) has not been reported previously as a pathogenic variant nor as a benign variant, to our knowledge. The p.G281S variant is observed in 1/16,216 (0.0062%) alleles from individuals of African background in gnomAD Exomes and is novel (not in any individuals) in 1000 Genomes. The p.G281S missense variant is predicted to be damaging by both SIFT and PolyPhen2. The glycine residue at codon 281 of SLC35C1 is conserved in all mammalian species. The nucleotide c.841 in SLC35C1 is predicted conserved by GERP++ and PhyloP across 100 vertebrates. For these reasons, this variant has been classified as Uncertain Significance.

NM_018389.5(SLC35C1):c.841G>A (p.Gly281Ser)

Gene: SLC35C1 (solute carrier family 35 member C1; plus strand). Cytogenetic location: 11p11.2.
Variant type: single nucleotide variant.
Coding change: c.841G>A on transcript NM_018389.5 (MANE Select); coding-DNA position 841, G replaced by A.
Protein change: p.Gly281Ser; replaces glycine 281 with serine.
Molecular consequence: missense variant.
Genome position (GRCh38, 1-based): chr11:45,811,081, G>A. VCF-style: chr11-45811081-G-A. GRCh37 (hg19) VCF-style: chr11-45832632-G-A.
Other names: c.[841G>A] (NM_018389.4); c.802G>A, p.Gly268Ser (NM_001145265.2, NM_001145266.2); short protein forms G268S, G281S.
Identifiers: ClinVar variation 1339035 (VCV001339035.2), dbSNP rs1410328784, ClinGen allele CA380206370.
Genomic context (GRCh38, chr11:45,811,081, plus strand): 5'-CTGGGCAGTGCCCACTTCTGGGGGATGATGACGCTGGGCGGCCTGTTTGGCTTTGCCATC[G>A]GCTACGTGACAGGACTGCAGATCAAGTTCACCAGTCCGCTGACCCACAATGTGTCGGGCA-3'
Protein context (NP_060859.4, residues 271-291): TLGGLFGFAI[Gly281Ser]YVTGLQIKFT